The following is an entry in ClinVar:

NM_024408.4(NOTCH2):c.3691C>T (p.Arg1231Trp)

Gene: NOTCH2 (notch receptor 2; minus strand). Cytogenetic location: 1p12.
Variant type: single nucleotide variant.
Coding change: c.3691C>T on transcript NM_024408.4 (MANE Select); coding-DNA position 3691, C replaced by T.
Protein change: p.Arg1231Trp; replaces arginine 1231 with tryptophan.
Molecular consequence: missense variant.
Genome position (GRCh38, 1-based): chr1:119,929,177, G>A on the plus strand (C>T on the coding strand, the complement: NOTCH2 is on the minus strand). VCF-style: chr1-119929177-G-A. GRCh37 (hg19) VCF-style: chr1-120471800-G-A.
Other names: c.3691C>T (NM_024408.3); short protein forms R1231W.
Identifiers: ClinVar variation 2719567 (VCV002719567.4), dbSNP rs782677147, ClinGen allele CA1039981.

ClinVar aggregate classification (germline): Uncertain significance. Review status: criteria provided, multiple submitters, no conflicts (2 of 4 stars). 2 submissions from 2 submitters: Uncertain significance (2). Last evaluated 2023-12-27.

Conditions:
Inborn genetic diseases. Identifiers: MedGen C0950123, MeSH D030342.
Hajdu-Cheney syndrome (HJCYS). Also called: Acroosteolysis dominant type; ACROOSTEOLYSIS WITH OSTEOPOROSIS AND CHANGES IN SKULL AND MANDIBLE; SERPENTINE FIBULA-POLYCYSTIC KIDNEY SYNDROME. Identifiers: Orphanet 955, MedGen C0917715, MONDO:0007057, OMIM 102500.

Allele frequency attached by ClinVar (database versions not stated): TOPMed 0.00001; ExAC 0.00002; gnomAD 0.00003.
gnomAD v4.1: 11 of 1,614,056 alleles (0.00068%); highest among the groups gnomAD compares: East Asian, 0.0022%; no homozygotes.

Submissions (2):

Ambry Genetics
Classification: Uncertain significance for Inborn genetic diseases. Last evaluated: 2023-12-27. Review status: criteria provided, single submitter. Criteria: Ambry Variant Classification Scheme 2023. Collection method: clinical testing. Allele origin: germline.

Labcorp Genetics (formerly Invitae), Labcorp
Classification: Uncertain significance for Hajdu-Cheney syndrome. Last evaluated: 2023-11-14. Review status: criteria provided, single submitter. Criteria: Invitae Variant Classification Sherloc (09022015). Collection method: clinical testing. Allele origin: germline.
Comment: This sequence change replaces arginine, which is basic and polar, with tryptophan, which is neutral and slightly polar, at codon 1231 of the NOTCH2 protein (p.Arg1231Trp). This variant is present in population databases (rs782677147, gnomAD 0.007%). This variant has not been reported in the literature in individuals affected with NOTCH2-related conditions. Advanced modeling of protein sequence and biophysical properties (such as structural, functional, and spatial information, amino acid conservation, physicochemical variation, residue mobility, and thermodynamic stability) performed at Invitae indicates that this missense variant is not expected to disrupt NOTCH2 protein function with a negative predictive value of 80%. In summary, the available evidence is currently insufficient to determine the role of this variant in disease. Therefore, it has been classified as a Variant of Uncertain Significance.